The following is an entry in ClinVar:

NM_016277.5(RAB23):c.522_525del (p.Lys174fs)

Gene: RAB23 (RAB23, member RAS oncogene family; minus strand). Cytogenetic location: 6p12.1.
Variant type: Deletion.
Coding change: c.522_525del on transcript NM_016277.5 (MANE Select); coding-DNA positions 522 to 525, 4 bases deleted (ACAA; older notation c.522_525delACAA).
Protein change: p.Lys174fs; shifts the reading frame from lysine 174.
Molecular consequence: frameshift variant. On other transcripts: non-coding transcript variant (1).
Genome position (GRCh38, 1-based): chr6:57,193,891-57,193,894, TTGT deleted on the plus strand (ACAA on the coding strand, the reverse complement: RAB23 is on the minus strand); deleting any 4 consecutive bases within chr6:57,193,891-57,193,897 gives the same sequence; the c. name uses the placement nearest the transcript's 3' end. VCF-style (leftmost placement, unchanged base first): chr6-57193890-GTTGT-G. GRCh37 (hg19) VCF-style: chr6-57058688-GTTGT-G.
Other names: c.522_525del, p.Lys174fs (NM_001278666.2, NM_001278667.2, NM_001278668.2 and 1 more transcripts); short protein forms K174fs.
Identifiers: ClinVar variation 4817035 (VCV004817035.2).

ClinVar aggregate classification (germline): Likely pathogenic (1 of 4 stars; one submission).

Conditions:
RAB23-related Carpenter syndrome. Also called: Carpenter syndrome 1; ACPS II. Identifiers: Orphanet 65759, MedGen C4551510, MONDO:0008710, OMIM 201000.

Submission:

Natera, Inc.
Classification: Likely pathogenic for Carpenter syndrome 1. Last evaluated: 2025-10-23. Review status: criteria provided, single submitter. Criteria: Natera Variant Classification Schema (03/2026). Collection method: clinical testing. Allele origin: germline.
Comment: The c.522_525del variant in RAB23 is a frameshift variant predicted to shift the reading frame beginning at codon 174 and leads to a stop codon 3 codons downstream. This variant is expected to result in nonsense mediated decay, truncation, or a dysfunctional protein product. This variant is rare in the general population with a frequency below the threshold expected for the associated phenotype(s). Given the available evidence, this variant is classified as Likely Pathogenic.